The following is an entry in ClinVar:

NM_031206.7(LAS1L):c.433-38T>G

Gene: LAS1L (LAS1 like ribosome biogenesis factor; minus strand). Cytogenetic location: Xq12.
Variant type: single nucleotide variant.
Coding change: c.433-38T>G on transcript NM_031206.7 (MANE Select); 38 bases into the intron before coding-DNA position 433, T replaced by G.
Molecular consequence: intron variant.
Genome position (GRCh38, 1-based): chrX:65,531,476, A>C on the plus strand (T>G on the coding strand, the complement: LAS1L is on the minus strand). VCF-style: chrX-65531476-A-C. GRCh37 (hg19) VCF-style: chrX-64751356-A-C.
Other names: c.307-38T>G (NM_001170650.2); c.-364-38T>G (NM_001375332.1); c.433-38T>G (NM_001375333.1, NM_001170649.2, NM_001375328.1 and 10 more transcripts).
Identifiers: ClinVar variation 4851725 (VCV004851725.1).
Genomic context (GRCh38, chrX:65,531,476, plus strand): 5'-ACAATCCAATCCGGAATATTTACCTGATTACAGGGGAGGGTGTGAGTACAGAAATTGGAA[A>C]ATAATTATTAAAGCTGGAAGGGAGCCAGAGATTAATTATCCTGACCACCTCCTGCCCCAT-3'

ClinVar aggregate classification (germline): Uncertain significance (1 of 4 stars; one submission).

Submission:

Greenwood Genetic Center Diagnostic Laboratories, Greenwood Genetic Center
Classification: Uncertain significance. Last evaluated: 2025-03-11. Review status: criteria provided, single submitter. Criteria: ACMG Guidelines, 2015. Collection method: clinical testing. Allele origin: germline.
Comment: PM2, BP4